The following is an entry in ClinVar:

ClinVar aggregate classification (germline): Uncertain significance (1 of 4 stars; one submission).

Conditions:
Hereditary cancer-predisposing syndrome. Also called: Neoplastic Syndromes, Hereditary; Tumor predisposition; Hereditary neoplastic syndrome; Hereditary Cancer Syndrome. Identifiers: Orphanet 140162, MedGen C0027672, MeSH D009386, MONDO:0015356.

Submission:

Ambry Genetics
Classification: Uncertain significance for Hereditary cancer-predisposing syndrome. Last evaluated: 2024-01-28. Review status: criteria provided, single submitter. Criteria: Ambry Variant Classification Scheme 2023. Collection method: clinical testing. Allele origin: germline.
Comment: The p.D1297G variant (also known as c.3890A>G), located in coding exon 15 of the APC gene, results from an A to G substitution at nucleotide position 3890. The aspartic acid at codon 1297 is replaced by glycine, an amino acid with similar properties. This amino acid position is conserved. In addition, in silico predictors for this gene do not accurately predict pathogenicity. Based on the available evidence, the clinical significance of this alteration remains unclear.

NM_000038.6(APC):c.3890A>G (p.Asp1297Gly)

Gene: APC (APC regulator of Wnt signaling pathway; plus strand). Cytogenetic location: 5q22.2.
Variant type: single nucleotide variant.
Coding change: c.3890A>G on transcript NM_000038.6 (MANE Select); coding-DNA position 3890, A replaced by G.
Protein change: p.Asp1297Gly; replaces aspartic acid 1297 with glycine.
Molecular consequence: missense variant. On other transcripts: non-coding transcript variant (2).
Genome position (GRCh38, 1-based): chr5:112,839,484, A>G. VCF-style: chr5-112839484-A-G. GRCh37 (hg19) VCF-style: chr5-112175181-A-G.
Other names: c.3890A>G, p.Asp1297Gly (NM_001127510.3, NM_001354895.2, NM_001407450.1); c.3836A>G, p.Asp1279Gly (NM_001127511.3); c.3944A>G, p.Asp1315Gly (NM_001354896.2, NM_001407447.1, NM_001407448.1 and 1 more transcripts); c.3920A>G, p.Asp1307Gly (NM_001354897.2); c.3815A>G, p.Asp1272Gly (NM_001354898.2); c.3806A>G, p.Asp1269Gly (NM_001354899.2); c.3767A>G, p.Asp1256Gly (NM_001354900.2); c.3713A>G, p.Asp1238Gly (NM_001354901.2, NM_001407453.1); and 11 more; short protein forms D1014G, D1137G, D1168G, D1171G, D1196G, D1206G, D1214G, D1238G.
Identifiers: ClinVar variation 3230335 (VCV003230335.1), dbSNP rs2149901352, ClinGen allele CA16029870.
Genomic context (GRCh38, chr5:112,839,484, plus strand): 5'-TATCATCTTTGTCATCAGCTGAAGATGAAATAGGATGTAATCAGACGACACAGGAAGCAG[A>G]TTCTGCTAATACCCTGCAAATAGCAGAAATAAAAGAAAAGATTGGAACTAGGTCAGCTGA-3'
Protein context (NP_000029.2, residues 1287-1307): IGCNQTTQEA[Asp1297Gly]SANTLQIAEI